The following is an entry in ClinVar:

ClinVar aggregate classification (germline): Likely pathogenic (1 of 4 stars; one submission).

Conditions:
Bartter disease type 5. Also called: Bartter syndrome, type 5, antenatal, transient. Identifiers: Orphanet 112, Orphanet 570371, MedGen C4310820, MONDO:0010503, OMIM 300971.

Submission:

Victorian Clinical Genetics Services, Murdoch Childrens Research Institute
Classification: Likely pathogenic for Bartter disease type 5. Last evaluated: 2025-05-26. Review status: criteria provided, single submitter. Criteria: ACMG Guidelines, 2015. Collection method: clinical testing. Allele origin: germline. Affected: yes.
Comment: This variant is classified as Likely pathogenic. Evidence in support of pathogenic classification: Variant is predicted to result in a truncated protein (premature termination codon is NOT located at least 54 nucleotides upstream of the final exon-exon junction) with less than 1/3 of the protein sequence affected; Variant is absent from gnomAD (v2, v3 and v4); Other truncating variants comparable to the one identified in this case have strong previous evidence for pathogenicity. The p.(Arg476Ter), p.(Arg474Ter), p.(Ala495fs), and p.(Ala506fs) variants have been reported in the literature in a hemizygous or heterozygous state in individuals with Bartter syndrome (PMIDs: 36819197, 29146702, 27120771). Additional information: This variant is heterozygous; This gene is associated with X-linked disease. There are rare reports of affected heterozygous females (PMIDs: 29146702, 38348227); This variant has no previous evidence of pathogenicity; No published functional evidence has been identified for this variant; Loss of function is a known mechanism of disease in this gene and is associated with antenatal transient Bartter syndrome, type 5 (MIM# 300971); Variants in this gene are known to have variable expressivity. Variable phenotype and disease severity have been reported (PMID: 29146702); Inheritance information for this variant is not currently available in this individual.

Literature cited by the submitters: PubMed 36819197; PubMed 38348227; PubMed 27120771; PubMed 29146702.

NM_177433.3(MAGED2):c.1347T>G (p.Tyr449Ter)

Gene: MAGED2 (MAGE family member D2; plus strand). Cytogenetic location: Xp11.21.
Variant type: single nucleotide variant.
Coding change: c.1347T>G on transcript NM_177433.3 (MANE Select); coding-DNA position 1347, T replaced by G.
Protein change: p.Tyr449Ter; replaces tyrosine 449 with a stop codon.
Molecular consequence: nonsense.
Genome position (GRCh38, 1-based): chrX:54,814,736, T>G. VCF-style: chrX-54814736-T-G. GRCh37 (hg19) VCF-style: chrX-54841169-T-G.
Other names: c.1347T>G, p.Tyr449Ter (NM_014599.6, NM_201222.3); short protein forms Y449*.
Identifiers: ClinVar variation 4531339 (VCV004531339.1).